The following is an entry in ClinVar:

NM_020461.4(TUBGCP6):c.3755T>C (p.Leu1252Ser)

Gene: TUBGCP6 (tubulin gamma complex component 6; minus strand). Cytogenetic location: 22q13.33.
Variant type: single nucleotide variant.
Coding change: c.3755T>C on transcript NM_020461.4 (MANE Select); coding-DNA position 3755, T replaced by C.
Protein change: p.Leu1252Ser; replaces leucine 1252 with serine.
Molecular consequence: missense variant.
Genome position (GRCh38, 1-based): chr22:50,220,604, A>G on the plus strand (T>C on the coding strand, the complement: TUBGCP6 is on the minus strand). VCF-style: chr22-50220604-A-G. GRCh37 (hg19) VCF-style: chr22-50659033-A-G.
Other names: short protein forms L1252S.
Identifiers: ClinVar variation 955056 (VCV000955056.11), dbSNP rs199869874, ClinGen allele CA10307832.

ClinVar aggregate classification (germline): Uncertain significance. Review status: criteria provided, multiple submitters, no conflicts (2 of 4 stars). 2 submissions from 2 submitters: Uncertain significance (2). Last evaluated 2024-10-07.

Conditions:
Inborn genetic diseases. Identifiers: MedGen C0950123, MeSH D030342.

Allele frequency attached by ClinVar (database versions not stated): gnomAD 0.00001 and 0.00003; TOPMed 0.00001; gnomAD exomes 0.00002; ExAC 0.00004; 1000 Genomes Project 0.00040; 1000 Genomes Project 30x 0.00047.

Submissions (2):

Ambry Genetics
Classification: Uncertain significance for Inborn genetic diseases. Last evaluated: 2024-10-07. Review status: criteria provided, single submitter. Criteria: Ambry Variant Classification Scheme 2023. Collection method: clinical testing. Allele origin: germline.

Labcorp Genetics (formerly Invitae), Labcorp
Classification: Uncertain significance. Last evaluated: 2024-10-07. Review status: criteria provided, single submitter. Criteria: Invitae Variant Classification Sherloc (09022015). Collection method: clinical testing. Allele origin: germline.
Comment: This sequence change replaces leucine, which is neutral and non-polar, with serine, which is neutral and polar, at codon 1252 of the TUBGCP6 protein (p.Leu1252Ser). This variant is present in population databases (rs199869874, gnomAD 0.003%). This variant has not been reported in the literature in individuals affected with TUBGCP6-related conditions. ClinVar contains an entry for this variant (Variation ID: 955056). An algorithm developed to predict the effect of missense changes on protein structure and function (PolyPhen-2) suggests that this variant¬†is likely to be tolerated. In summary, the available evidence is currently insufficient to determine the role of this variant in disease. Therefore, it has been classified as a Variant of Uncertain Significance.